The following is an entry in ClinVar:

ClinVar aggregate classification (germline): Uncertain significance (1 of 4 stars; one submission).

Allele frequency attached by ClinVar (database versions not stated): gnomAD exomes below 0.00001; TOPMed 0.00001.
gnomAD v4.1: 1 of 1,523,192 alleles (0.000066%); highest among the groups gnomAD compares: Middle Eastern, 0.017%; no homozygotes.

Submission:

Labcorp Genetics (formerly Invitae), Labcorp
Classification: Uncertain significance. Last evaluated: 2022-07-21. Review status: criteria provided, single submitter. Criteria: Invitae Variant Classification Sherloc (09022015). Collection method: clinical testing. Allele origin: germline.
Comment: In summary, the available evidence is currently insufficient to determine the role of this variant in disease. Therefore, it has been classified as a Variant of Uncertain Significance. This sequence change replaces arginine, which is basic and polar, with glycine, which is neutral and non-polar, at codon 2361 of the WDR87 protein (p.Arg2361Gly). This variant is not present in population databases (gnomAD no frequency). This variant has not been reported in the literature in individuals affected with WDR87-related conditions. Algorithms developed to predict the effect of missense changes on protein structure and function are either unavailable or do not agree on the potential impact of this missense change (SIFT: "Deleterious"; PolyPhen-2: "Not Available"; Align-GVGD: "Class C0").

NM_001291088.2(WDR87):c.7198A>G (p.Arg2400Gly)

Gene: WDR87 (WD repeat domain 87; minus strand). Cytogenetic location: 19q13.13.
Variant type: single nucleotide variant.
Coding change: c.7198A>G on transcript NM_001291088.2 (MANE Select); coding-DNA position 7198, A replaced by G.
Protein change: p.Arg2400Gly; replaces arginine 2400 with glycine.
Molecular consequence: missense variant.
Genome position (GRCh38, 1-based): chr19:37,886,473, T>C on the plus strand (A>G on the coding strand, the complement: WDR87 is on the minus strand). VCF-style: chr19-37886473-T-C. GRCh37 (hg19) VCF-style: chr19-38377113-T-C.
Other names: c.7081A>G, p.Arg2361Gly (NM_031951.5); short protein forms R2400G, R2361G.
Identifiers: ClinVar variation 2176149 (VCV002176149.4), dbSNP rs951031722, ClinGen allele CA308019360.
Genomic context (GRCh38, chr19:37,886,473, plus strand): 5'-TAGCCCTGCCTTTGCCATGAGGAACTCCTCTTAAAATGGAAAGGACTCTTTCCCTTCCTC[T>C]TAGGCTCTTTCTTCTTTGTTCTTGTAACTTAAATTGTTTTTCTTTTTTTAAGATCTCTTT-3'
Protein context (NP_001278017.1, residues 2390-2410): KLQEQRRKSL[Arg2400Gly]GRERVLSILR